The following is an entry in ClinVar:

ClinVar aggregate classification (germline): Uncertain significance (1 of 4 stars; one submission).

Conditions:
Immunodeficiency 39 (IMD39). Identifiers: Orphanet 574918, MedGen C4225358, MONDO:0014597, OMIM 616345.

Allele frequency attached by ClinVar (database versions not stated): gnomAD exomes 0.00001; ExAC 0.00004.
gnomAD v4.1: 2 of 1,609,594 alleles (0.00012%); highest among the groups gnomAD compares: South Asian, 0.0022%; no homozygotes.

Submission:

Dubai Health Genomic Medicine Center, Dubai Health
Classification: Uncertain significance for Immunodeficiency 39. Last evaluated: 2020-11-23. Review status: criteria provided, single submitter. Criteria: ACMG Guidelines, 2015. Collection method: clinical testing. Allele origin: germline. Affected: yes.
Comment: The p.Gly237Trp missense variant in IRF7 has not been previously reported in affected individuals but was observed in 2/231866 (0.0009% 0 homozygotes) total alleles in the Genome Aggregation Database (gnomAD). Computational prediction tools and conservation analysis do not suggest an impact to protein function though this information is not predictive enough to confirm pathogenicity. In summary more information is needed to fully assess the clinical significance of this variant.

NM_001572.5(IRF7):c.709G>T (p.Gly237Trp)

Gene: IRF7 (interferon regulatory factor 7; minus strand). Cytogenetic location: 11p15.5.
Variant type: single nucleotide variant.
Coding change: c.709G>T on transcript NM_001572.5 (MANE Select); coding-DNA position 709, G replaced by T.
Protein change: p.Gly237Trp; replaces glycine 237 with tryptophan.
Molecular consequence: missense variant. On other transcripts: intron variant (1).
Genome position (GRCh38, 1-based): chr11:614,008, C>A on the plus strand (G>T on the coding strand, the complement: IRF7 is on the minus strand). VCF-style: chr11-614008-C-A. GRCh37 (hg19) VCF-style: chr11-614008-C-A.
Other names: c.748G>T, p.Gly250Trp (NM_004031.4); c.680-143G>T (NM_004029.4); short protein forms G237W, G250W.
Identifiers: ClinVar variation 1301659 (VCV001301659.2), dbSNP rs760665585, ClinGen allele CA5783816.
Genomic context (GRCh38, chr11:614,008, plus strand): 5'-CACCTGTCGTTAGTGCCGCGGGCTGGGGCCCGGGGCTGGGGGTCGTCTCTACTGCCCACC[C>A]GTACAGCTCCCCAGCAGGGAGCCCTGGGCCTGAGGAGGGGAGGACAGTGGGAACGGTGGT-3'
Protein context (NP_001563.2, residues 227-247): GPGLPAGELY[Gly237Trp]WAVETTPSPG